The following is an entry in ClinVar:

NM_001290043.2(TAP2):c.955C>T (p.Arg319Trp)

Gene: TAP2 (transporter 2, ATP binding cassette subfamily B member; minus strand). Cytogenetic location: 6p21.32.
Variant type: single nucleotide variant.
Coding change: c.955C>T on transcript NM_001290043.2 (MANE Select); coding-DNA position 955, C replaced by T.
Protein change: p.Arg319Trp; replaces arginine 319 with tryptophan.
Molecular consequence: missense variant.
Genome position (GRCh38, 1-based): chr6:32,832,815, G>A on the plus strand (C>T on the coding strand, the complement: TAP2 is on the minus strand). VCF-style: chr6-32832815-G-A. GRCh37 (hg19) VCF-style: chr6-32800592-G-A.
Other names: c.955C>T, p.Arg319Trp (NM_000544.3, NM_018833.3); short protein forms R319W.
Identifiers: ClinVar variation 1063173 (VCV001063173.6), dbSNP rs771425114, ClinGen allele CA3746028.

ClinVar aggregate classification (germline): Uncertain significance (1 of 4 stars; one submission).

Conditions:
MHC class I deficiency. Identifiers: Orphanet 34592, MedGen C6024714, MONDO:0011476.

Allele frequency attached by ClinVar (database versions not stated): ExAC 0.00001; TOPMed 0.00002; gnomAD 0.00001; gnomAD exomes 0.00002.
gnomAD v4.1: 35 of 1,612,278 alleles (0.0022%); highest among the groups gnomAD compares: African/African-American, 0.0053%; no homozygotes.

Submission:

Labcorp Genetics (formerly Invitae), Labcorp
Classification: Uncertain significance for MHC class I deficiency 1. Last evaluated: 2022-09-19. Review status: criteria provided, single submitter. Criteria: Invitae Variant Classification Sherloc (09022015). Collection method: clinical testing. Allele origin: germline.
Comment: This sequence change replaces arginine, which is basic and polar, with tryptophan, which is neutral and slightly polar, at codon 319 of the TAP2 protein (p.Arg319Trp). This variant is present in population databases (rs771425114, gnomAD 0.004%). This variant has not been reported in the literature in individuals affected with TAP2-related conditions. ClinVar contains an entry for this variant (Variation ID: 1063173). Algorithms developed to predict the effect of missense changes on protein structure and function output the following: SIFT: "Tolerated"; PolyPhen-2: "Not Available"; Align-GVGD: "Class C0". The tryptophan amino acid residue is found in multiple mammalian species, which suggests that this missense change does not adversely affect protein function. In summary, the available evidence is currently insufficient to determine the role of this variant in disease. Therefore, it has been classified as a Variant of Uncertain Significance.